The following is an entry in ClinVar:

NM_001005469.2(OR5B3):c.195T>C (p.Ser65=)

Gene: OR5B3 (olfactory receptor family 5 subfamily B member 3; minus strand). Cytogenetic location: 11q12.1.
Variant type: single nucleotide variant.
Coding change: c.195T>C on transcript NM_001005469.2 (MANE Select); coding-DNA position 195, T replaced by C.
Protein change: p.Ser65=; no amino-acid change (serine 65 retained).
Molecular consequence: synonymous variant.
Genome position (GRCh38, 1-based): chr11:58,403,215, A>G on the plus strand (T>C on the coding strand, the complement: OR5B3 is on the minus strand). VCF-style: chr11-58403215-A-G. GRCh37 (hg19) VCF-style: chr11-58170688-A-G.
Identifiers: ClinVar variation 2641803 (VCV002641803.24), dbSNP rs2495404682, ClinGen allele CA474815747.

ClinVar aggregate classification (germline): Likely benign (1 of 4 stars; one submission).

Allele frequency attached by ClinVar (database versions not stated): gnomAD exomes below 0.00001.

Submission:

CeGaT Center for Human Genetics Tuebingen
Classification: Likely benign. Last evaluated: 2023-01-01. Review status: criteria provided, single submitter. Criteria: CeGaT Center For Human Genetics Tuebingen Variant Classification Criteria Version 2. Collection method: clinical testing. Allele origin: germline. Affected: yes. Observed: 1 variant allele.
Comment: OR5B3: PM2:Supporting, BP4, BP7